The following is an entry in ClinVar:

ClinVar aggregate classification (germline): Uncertain significance (1 of 4 stars; one submission).

Conditions:
Familial cancer of breast. Also called: BREAST CANCER, FAMILIAL; Hereditary breast cancer; hereditary breast carcinoma. Identifiers: Orphanet 227535, MedGen C0346153, MONDO:0016419, OMIM 114480. Disease mechanism: loss of function.

Submission:

Labcorp Genetics (formerly Invitae), Labcorp
Classification: Uncertain significance for Familial cancer of breast. Last evaluated: 2025-06-04. Review status: criteria provided, single submitter. Criteria: Invitae Variant Classification Sherloc (09022015). Collection method: clinical testing. Allele origin: germline.
Comment: This sequence change replaces glutamine, which is neutral and polar, with lysine, which is basic and polar, at codon 377 of the PALB2 protein (p.Gln377Lys). This variant is not present in population databases (gnomAD no frequency). This variant has not been reported in the literature in individuals affected with PALB2-related conditions. Invitae Evidence Modeling of protein sequence and biophysical properties (such as structural, functional, and spatial information, amino acid conservation, physicochemical variation, residue mobility, and thermodynamic stability) has been performed for this missense variant. However, the output from this modeling did not meet the statistical confidence thresholds required to predict the impact of this variant on PALB2 protein function. In summary, the available evidence is currently insufficient to determine the role of this variant in disease. Therefore, it has been classified as a Variant of Uncertain Significance.

NM_024675.4(PALB2):c.1129C>A (p.Gln377Lys)

Gene: PALB2 (partner and localizer of BRCA2; minus strand). Cytogenetic location: 16p12.2.
Variant type: single nucleotide variant.
Coding change: c.1129C>A on transcript NM_024675.4 (MANE Select); coding-DNA position 1129, C replaced by A.
Protein change: p.Gln377Lys; replaces glutamine 377 with lysine.
Molecular consequence: missense variant. On other transcripts: intron variant (3).
Genome position (GRCh38, 1-based): chr16:23,635,417, G>T on the plus strand (C>A on the coding strand, the complement: PALB2 is on the minus strand). VCF-style: chr16-23635417-G-T. GRCh37 (hg19) VCF-style: chr16-23646738-G-T.
Other names: c.244C>A, p.Gln82Lys (NM_001407307.1, NM_001407308.1, NM_001407309.1 and 5 more transcripts); c.48+5693C>A (NM_001407314.1); c.-104-4948C>A (NM_001407313.1, NM_001407312.1); c.1069C>A, p.Gln357Lys (NM_001407296.1); c.1129C>A, p.Gln377Lys (NM_001407297.1, NM_001407298.1, NM_001407299.1 and 3 more transcripts); short protein forms Q377K, Q357K, Q82K.
Identifiers: ClinVar variation 4744694 (VCV004744694.1).